The following is an entry in ClinVar:

NM_001165963.4(SCN1A):c.1810C>A (p.Arg604Ser)

Gene: SCN1A (sodium voltage-gated channel alpha subunit 1; minus strand). Cytogenetic location: 2q24.3.
Variant type: single nucleotide variant.
Coding change: c.1810C>A on transcript NM_001165963.4 (MANE Select); coding-DNA position 1810, C replaced by A.
Protein change: p.Arg604Ser; replaces arginine 604 with serine.
Molecular consequence: missense variant. On other transcripts: non-coding transcript variant (1), 5 prime UTR variant (1).
Genome position (GRCh38, 1-based): chr2:166,043,902, G>T on the plus strand (C>A on the coding strand, the complement: SCN1A is on the minus strand). VCF-style: chr2-166043902-G-T. GRCh37 (hg19) VCF-style: chr2-166900412-G-T.
Other names: c.1810C>A, p.Arg604Ser (NM_006920.6, NM_001165964.3, NM_001202435.3 and 7 more transcripts); c.1807C>A, p.Arg603Ser (NM_001353954.2, NM_001353955.2, NM_001353960.2); c.-616C>A (NM_001353961.2); short protein forms R604S, R603S.
Identifiers: ClinVar variation 3634053 (VCV003634053.2).

ClinVar aggregate classification (germline): Uncertain significance (1 of 4 stars; one submission).

Conditions:
Early-infantile DEE. Also called: Early infantile epileptic encephalopathy; Ohtahara syndrome; Early infantile epileptic encephalopathy with suppression bursts. Identifiers: Orphanet 1934, MedGen C0393706, MONDO:0800491.

Submission:

Labcorp Genetics (formerly Invitae), Labcorp
Classification: Uncertain significance for Early-infantile DEE. Last evaluated: 2025-12-01. Review status: criteria provided, single submitter. Criteria: Invitae Variant Classification Sherloc (09022015). Collection method: clinical testing. Allele origin: germline.
Comment: This sequence change replaces arginine, which is basic and polar, with serine, which is neutral and polar, at codon 604 of the SCN1A protein (p.Arg604Ser). This variant is not present in population databases (gnomAD no frequency). This variant has not been reported in the literature in individuals affected with SCN1A-related conditions. ClinVar contains an entry for this variant (Variation ID: 3634053). Invitae Evidence Modeling of protein sequence and biophysical properties (such as structural, functional, and spatial information, amino acid conservation, physicochemical variation, residue mobility, and thermodynamic stability) has been performed for this missense variant. However, the output from this modeling did not meet the statistical confidence thresholds required to predict the impact of this variant on SCN1A protein function. In summary, the available evidence is currently insufficient to determine the role of this variant in disease. Therefore, it has been classified as a Variant of Uncertain Significance.